The following is an entry in ClinVar:

ClinVar aggregate classification (germline): Conflicting classifications of pathogenicity. Review status: criteria provided, conflicting classifications (1 of 4 stars). 7 submissions from 7 submitters: Uncertain significance (5); Likely benign (1). 1 of the submissions does not count toward it. Last evaluated 2025-03-03.

Conditions:
Inborn genetic diseases. Identifiers: MedGen C0950123, MeSH D030342.
Spastic paraplegia. Identifiers: MedGen C0037772, HP:0001258.
Charlevoix-Saguenay spastic ataxia (SACS). Also called: AUTOSOMAL RECESSIVE SPASTIC ATAXIA OF CHARLEVOIX-SAGUENAY; Spastic ataxia of Charlevoix-Saguenay; SPASTIC ATAXIA 6, AUTOSOMAL RECESSIVE. Identifiers: Orphanet 98, MedGen C1849140, MONDO:0010041, OMIM 270550.

Allele frequency attached by ClinVar (database versions not stated): TOPMed below 0.00001; gnomAD exomes 0.00001; ExAC 0.00002.
gnomAD v4.1: 16 of 1,613,692 alleles (0.00099%); highest among the groups gnomAD compares: Non-Finnish European, 0.0013%; no homozygotes.

Submissions (7):

Ambry Genetics
Classification: Uncertain significance for Inborn genetic diseases. Last evaluated: 2025-03-03. Review status: criteria provided, single submitter. Criteria: Ambry Variant Classification Scheme 2023. Collection method: clinical testing. Allele origin: germline.

Labcorp Genetics (formerly Invitae), Labcorp
Classification: Likely benign for Spastic paraplegia. Last evaluated: 2024-02-02. Review status: criteria provided, single submitter. Criteria: Invitae Variant Classification Sherloc (09022015). Collection method: clinical testing. Allele origin: germline.

Athena Diagnostics
Classification: Uncertain significance. Last evaluated: 2023-05-23. Review status: criteria provided, single submitter. Criteria: Athena Diagnostics Criteria. Collection method: clinical testing. Allele origin: unknown.
Comment: Available data are insufficient to determine the clinical significance of the variant at this time. The frequency of this variant in the general population is uninformative in assessment of its pathogenicity. Computational tools disagree on the variant's effect on normal protein function.

Genome-Nilou Lab
Classification: Uncertain significance for Charlevoix-Saguenay spastic ataxia. Last evaluated: 2021-09-05. Review status: criteria provided, single submitter. Criteria: ACMG Guidelines, 2015. Collection method: clinical testing. Allele origin: germline. Affected: no.

CeGaT Center for Human Genetics Tuebingen
Classification: Uncertain significance. Last evaluated: 2018-09-01. Review status: criteria provided, single submitter. Criteria: CeGaT Center For Human Genetics Tuebingen Variant Classification Criteria Version 2. Collection method: clinical testing. Allele origin: germline. Affected: yes. Observed: 4 variant alleles.

Eurofins Ntd Llc (ga)
Classification: Uncertain significance. Last evaluated: 2014-12-31. Review status: criteria provided, single submitter. Criteria: EGL Classification Definitions 2015. Collection method: clinical testing. Allele origin: germline. Observed: 1 variant allele, 1 heterozygote.

Natera, Inc.
Classification: Uncertain significance for Charlevoix-Saguenay type spastic ataxia. Last evaluated: 2020-09-16. Review status: no assertion criteria provided. Collection method: clinical testing. Allele origin: germline. Not counted in ClinVar's aggregate classification.

NM_014363.6(SACS):c.8414C>T (p.Thr2805Ile)

Gene: SACS (sacsin molecular chaperone; minus strand). Cytogenetic location: 13q12.12.
Variant type: single nucleotide variant.
Coding change: c.8414C>T on transcript NM_014363.6 (MANE Select); coding-DNA position 8414, C replaced by T.
Protein change: p.Thr2805Ile; replaces threonine 2805 with isoleucine.
Molecular consequence: missense variant.
Genome position (GRCh38, 1-based): chr13:23,335,462, G>A on the plus strand (C>T on the coding strand, the complement: SACS is on the minus strand). VCF-style: chr13-23335462-G-A. GRCh37 (hg19) VCF-style: chr13-23909601-G-A.
Other names: c.7973C>T, p.Thr2658Ile (NM_001278055.2); short protein forms T2805I, T2658I.
Identifiers: ClinVar variation 193710 (VCV000193710.56), dbSNP rs772742353, ClinGen allele CA239316.